The following is an entry in ClinVar:

ClinVar aggregate classification (germline): Uncertain significance (1 of 4 stars; one submission).

Conditions:
Rubinstein-Taybi syndrome (RSTS). Identifiers: Orphanet 783, MedGen C0035934, MONDO:0019188.

Submission:

Labcorp Genetics (formerly Invitae), Labcorp
Classification: Uncertain significance for Rubinstein-Taybi syndrome. Last evaluated: 2025-08-06. Review status: criteria provided, single submitter. Criteria: Invitae Variant Classification Sherloc (09022015). Collection method: clinical testing. Allele origin: germline.
Comment: This sequence change replaces arginine, which is basic and polar, with serine, which is neutral and polar, at codon 1682 of the CREBBP protein (p.Arg1682Ser). This variant is not present in population databases (gnomAD no frequency). This variant has not been reported in the literature in individuals affected with CREBBP-related conditions. Invitae Evidence Modeling of protein sequence and biophysical properties (such as structural, functional, and spatial information, amino acid conservation, physicochemical variation, residue mobility, and thermodynamic stability) indicates that this missense variant is expected to disrupt CREBBP protein function with a positive predictive value of 95%. In summary, the available evidence is currently insufficient to determine the role of this variant in disease. Therefore, it has been classified as a Variant of Uncertain Significance.

NM_004380.3(CREBBP):c.5044C>A (p.Arg1682Ser)

Gene: CREBBP (CREB binding lysine acetyltransferase; minus strand). Cytogenetic location: 16p13.3.
Variant type: single nucleotide variant.
Coding change: c.5044C>A on transcript NM_004380.3 (MANE Select); coding-DNA position 5044, C replaced by A.
Protein change: p.Arg1682Ser; replaces arginine 1682 with serine.
Molecular consequence: missense variant.
Genome position (GRCh38, 1-based): chr16:3,731,320, G>T on the plus strand (C>A on the coding strand, the complement: CREBBP is on the minus strand). VCF-style: chr16-3731320-G-T. GRCh37 (hg19) VCF-style: chr16-3781321-G-T.
Other names: c.4930C>A, p.Arg1644Ser (NM_001079846.1); short protein forms R1644S, R1682S.
Identifiers: ClinVar variation 4747494 (VCV004747494.1).